The following is an entry in ClinVar:

NM_003072.5(SMARCA4):c.1434C>T (p.Ser478=)

Gene: SMARCA4 (SWI/SNF related BAF chromatin remodeling complex subunit ATPase 4; plus strand). Cytogenetic location: 19p13.2.
Variant type: single nucleotide variant.
Coding change: c.1434C>T on transcript NM_003072.5 (MANE Select); coding-DNA position 1434, C replaced by T.
Protein change: p.Ser478=; no amino-acid change (serine 478 retained).
Molecular consequence: synonymous variant. On other transcripts: non-coding transcript variant (1).
Genome position (GRCh38, 1-based): chr19:10,994,842, C>T. VCF-style: chr19-10994842-C-T. GRCh37 (hg19) VCF-style: chr19-11105518-C-T.
Other names: c.1434C>T, p.Ser478= (NM_001128844.3, NM_001128845.2, NM_001128846.2 and 5 more transcripts).
Identifiers: ClinVar variation 480571 (VCV000480571.14), dbSNP rs1555761987, ClinGen allele CA505490290.

ClinVar aggregate classification (germline): Benign/Likely benign. Review status: criteria provided, multiple submitters, no conflicts (2 of 4 stars). 3 submissions from 3 submitters: Benign (1); Likely benign (2). Last evaluated 2026-07-10.

Conditions:
Rhabdoid tumor predisposition syndrome 2 (RTPS2). Identifiers: Orphanet 231108, Orphanet 69077, MedGen C2750074, MONDO:0013224, OMIM 613325.
Hereditary cancer-predisposing syndrome. Also called: Tumor predisposition; Neoplastic Syndromes, Hereditary; Hereditary Cancer Syndrome; Hereditary neoplastic syndrome. Identifiers: Orphanet 140162, MedGen C0027672, MeSH D009386, MONDO:0015356.

Submissions (3):

Myriad Genetics, Inc.
Classification: Benign for Rhabdoid tumor predisposition syndrome 2. Last evaluated: 2026-07-10. Review status: criteria provided, single submitter. Criteria: Myriad Autosomal Dominant, Autosomal Recessive and X-Linked Classification Criteria (2023). Collection method: clinical testing. Allele origin: unknown.
Comment: This variant is considered benign. This variant is a silent/synonymous amino acid change and it is not expected to impact splicing.

Labcorp Genetics (formerly Invitae), Labcorp
Classification: Likely benign for Rhabdoid tumor predisposition syndrome 2. Last evaluated: 2025-10-13. Review status: criteria provided, single submitter. Criteria: Invitae Variant Classification Sherloc (09022015). Collection method: clinical testing. Allele origin: germline.

Ambry Genetics
Classification: Likely benign for Hereditary cancer-predisposing syndrome. Last evaluated: 2015-08-10. Review status: criteria provided, single submitter. Criteria: Ambry Variant Classification Scheme 2023. Collection method: clinical testing. Allele origin: germline.